The following is an entry in ClinVar:

NC_000002.11:g.(?_15307172)_(15701428_?)del

Gene: NBAS (NBAS subunit of NRZ tethering complex; minus strand). Cytogenetic location: 2p24.3.
Variant type: Deletion.
Identifiers: ClinVar variation 2426219 (VCV002426219.4).

ClinVar aggregate classification (germline): Pathogenic (1 of 4 stars; one submission).

Submission:

Labcorp Genetics (formerly Invitae), Labcorp
Classification: Pathogenic. Last evaluated: 2023-09-14. Review status: criteria provided, single submitter. Criteria: Invitae Variant Classification Sherloc (09022015). Collection method: clinical testing. Allele origin: germline.
Comment: For these reasons, this variant has been classified as Pathogenic. This variant has not been reported in the literature in individuals affected with NBAS-related conditions. A gross deletion of the genomic region encompassing the full coding sequence of the NBAS gene has been identified. Loss-of-function variants in NBAS are known to be pathogenic (PMID: 26073778, 26541327, 27789416, 28031453). The boundaries of this event are unknown as they extend beyond the assayed region for this gene and therefore may encompass additional genes.

Literature cited by the submitters: PubMed 26073778; PubMed 26541327; PubMed 27789416; PubMed 28031453.